The following is an entry in ClinVar:

ClinVar aggregate classification (germline): Likely benign. Review status: criteria provided, multiple submitters, no conflicts (2 of 4 stars). 3 submissions from 3 submitters: Likely benign (3). Last evaluated 2024-05-01.

Conditions:
Familial thoracic aortic aneurysm and aortic dissection (TAAD). Also called: Thoracic aortic aneurysms and dissections. Identifiers: Orphanet 91387, MedGen C4707243, MONDO:0019625.
Shprintzen-Goldberg syndrome (SGS). Also called: Marfanoid disorder with craniosynostosis type 1; Marfanoid craniosynostosis syndrome; Shprintzen-Goldberg marfanoid syndrome; SHPRINTZEN-GOLDBERG CRANIOSYNOSTOSIS SYNDROME; CRANIOSYNOSTOSIS WITH ARACHNODACTYLY AND ABDOMINAL HERNIAS. Identifiers: Orphanet 2462, MedGen C1321551, MONDO:0008426, OMIM 182212.

Allele frequency attached by ClinVar (database versions not stated): gnomAD exomes 0.00001; TOPMed 0.00001.
gnomAD v4.1: 11 of 1,522,822 alleles (0.00072%); highest among the groups gnomAD compares: Non-Finnish European, 0.00088%; no homozygotes.

Submissions (3):

CeGaT Center for Human Genetics Tuebingen
Classification: Likely benign. Last evaluated: 2024-05-01. Review status: criteria provided, single submitter. Criteria: CeGaT Center For Human Genetics Tuebingen Variant Classification Criteria Version 2. Collection method: clinical testing. Allele origin: germline. Affected: yes. Observed: 1 variant allele.
Comment: SKI: BP4, BP7

Ambry Genetics
Classification: Likely benign for Familial thoracic aortic aneurysm and aortic dissection. Last evaluated: 2023-01-28. Review status: criteria provided, single submitter. Criteria: Ambry Variant Classification Scheme 2023. Collection method: clinical testing. Allele origin: germline.

Labcorp Genetics (formerly Invitae), Labcorp
Classification: Likely benign for Shprintzen-Goldberg syndrome. Last evaluated: 2022-12-06. Review status: criteria provided, single submitter. Criteria: Invitae Variant Classification Sherloc (09022015). Collection method: clinical testing. Allele origin: germline.

NM_003036.4(SKI):c.2172G>A (p.Ala724=)

Gene: SKI (SKI proto-oncogene; plus strand). Cytogenetic location: 1p36.32.
Variant type: single nucleotide variant.
Coding change: c.2172G>A on transcript NM_003036.4 (MANE Select); coding-DNA position 2172, G replaced by A.
Protein change: p.Ala724=; no amino-acid change (alanine 724 retained).
Molecular consequence: synonymous variant.
Genome position (GRCh38, 1-based): chr1:2,306,750, G>A. VCF-style: chr1-2306750-G-A. GRCh37 (hg19) VCF-style: chr1-2238189-G-A.
Other names: c.2172G>A (NM_003036.3).
Identifiers: ClinVar variation 1569069 (VCV001569069.28), dbSNP rs879070309, ClinGen allele CA415459154.